The following is an entry in ClinVar:

NM_172107.4(KCNQ2):c.757G>T (p.Ala253Ser)

Gene: KCNQ2 (potassium voltage-gated channel subfamily Q member 2; minus strand). Cytogenetic location: 20q13.33.
Variant type: single nucleotide variant.
Coding change: c.757G>T on transcript NM_172107.4 (MANE Select); coding-DNA position 757, G replaced by T.
Protein change: p.Ala253Ser; replaces alanine 253 with serine.
Molecular consequence: missense variant.
Genome position (GRCh38, 1-based): chr20:63,442,465, C>A on the plus strand (G>T on the coding strand, the complement: KCNQ2 is on the minus strand). VCF-style: chr20-63442465-C-A. GRCh37 (hg19) VCF-style: chr20-62073818-C-A.
Other names: c.757G>T, p.Ala253Ser (NM_001382235.1, NM_004518.6, NM_172106.3 and 2 more transcripts); short protein forms A253S.
Identifiers: ClinVar variation 975904 (VCV000975904.2), dbSNP rs1057516093, ClinGen allele CA409653870.

ClinVar aggregate classification (germline): Pathogenic (1 of 4 stars; one submission).

Conditions:
Developmental and epileptic encephalopathy, 7 (DEE7). Also called: Early infantile epileptic encephalopathy 7; KCNQ2-Related Neonatal Epileptic Encephalopathy; KCNQ2-Related Neonatal-Onset Developmental and Epileptic Encephalopathy (NEO-DEE). Identifiers: Orphanet 439218, MedGen C3150986, MONDO:0013387, OMIM 613720.

Submission:

Institute of Human Genetics, University of Leipzig Medical Center
Classification: Pathogenic for Developmental and epileptic encephalopathy, 7. Last evaluated: 2020-09-29. Review status: criteria provided, single submitter. Criteria: ACMG Guidelines, 2015. Collection method: clinical testing. Allele origin: de novo. Affected: yes.
Comment: This variant was identified as de novo (maternity and paternity confirmed).